The following is an entry in ClinVar:

ClinVar aggregate classification (germline): Uncertain significance (1 of 4 stars; one submission).

Conditions:
Familial hemophagocytic lymphohistiocytosis 5. Also called: STXBP2-Related Familial Hemophagocytic Lymphohistiocytosis (STXBP2-fHLH). Identifiers: Orphanet 540, MedGen C2751293, MONDO:0013135, OMIM 613101.

Submission:

Labcorp Genetics (formerly Invitae), Labcorp
Classification: Uncertain significance for Familial hemophagocytic lymphohistiocytosis 5. Last evaluated: 2023-02-17. Review status: criteria provided, single submitter. Criteria: Invitae Variant Classification Sherloc (09022015). Collection method: clinical testing. Allele origin: germline.
Comment: Advanced modeling of protein sequence and biophysical properties (such as structural, functional, and spatial information, amino acid conservation, physicochemical variation, residue mobility, and thermodynamic stability) performed at Invitae indicates that this missense variant is expected to disrupt STXBP2 protein function. In summary, the available evidence is currently insufficient to determine the role of this variant in disease. Therefore, it has been classified as a Variant of Uncertain Significance. This variant has not been reported in the literature in individuals affected with STXBP2-related conditions. This variant is not present in population databases (gnomAD no frequency). This sequence change replaces phenylalanine, which is neutral and non-polar, with serine, which is neutral and polar, at codon 249 of the STXBP2 protein (p.Phe249Ser).

NM_006949.4(STXBP2):c.746T>C (p.Phe249Ser)

Gene: STXBP2 (syntaxin binding protein 2; plus strand). Cytogenetic location: 19p13.2.
Variant type: single nucleotide variant.
Coding change: c.746T>C on transcript NM_006949.4 (MANE Select); coding-DNA position 746, T replaced by C.
Protein change: p.Phe249Ser; replaces phenylalanine 249 with serine.
Molecular consequence: missense variant. On other transcripts: non-coding transcript variant (1).
Genome position (GRCh38, 1-based): chr19:7,642,285, T>C. VCF-style: chr19-7642285-T-C. GRCh37 (hg19) VCF-style: chr19-7707171-T-C.
Other names: c.737T>C, p.Phe246Ser (NM_001127396.3); c.779T>C, p.Phe260Ser (NM_001272034.2); c.650T>C, p.Phe217Ser (NM_001414484.1); short protein forms F249S, F260S, F246S, F217S.
Identifiers: ClinVar variation 2816545 (VCV002816545.3), dbSNP rs2512697713, ClinGen allele CA403158870.